The following is an entry in ClinVar:

ClinVar aggregate classification (germline): Uncertain significance (1 of 4 stars; one submission).

Conditions:
3-methylglutaconic aciduria, type VIIB (MGCA7B). Also called: CLPB Deficiency; 3-methylglutaconic aciduria, type VII, with cataracts, neurologic involvement and neutropenia; 3-methylglutaconic aciduria with cataracts, neurologic involvement and neutropenia. Identifiers: Orphanet 445038, MedGen C5676893, MONDO:0014561, OMIM 616271.

Submission:

Labcorp Genetics (formerly Invitae), Labcorp
Classification: Uncertain significance for 3-methylglutaconic aciduria, type VIIB. Last evaluated: 2023-09-17. Review status: criteria provided, single submitter. Criteria: Invitae Variant Classification Sherloc (09022015). Collection method: clinical testing. Allele origin: germline.
Comment: In summary, the available evidence is currently insufficient to determine the role of this variant in disease. Therefore, it has been classified as a Variant of Uncertain Significance. An algorithm developed to predict the effect of missense changes on protein structure and function (PolyPhen-2) suggests that this variant is likely to be tolerated. This variant has not been reported in the literature in individuals affected with CLPB-related conditions. This variant is not present in population databases (gnomAD no frequency). This sequence change replaces glutamine, which is neutral and polar, with lysine, which is basic and polar, at codon 529 of the CLPB protein (p.Gln529Lys).

NM_001258392.3(CLPB):c.1495C>A (p.Gln499Lys)

Gene: CLPB (ClpB family mitochondrial disaggregase; minus strand). Cytogenetic location: 11q13.4.
Variant type: single nucleotide variant.
Coding change: c.1495C>A on transcript NM_001258392.3 (MANE Select); coding-DNA position 1495, C replaced by A.
Protein change: p.Gln499Lys; replaces glutamine 499 with lysine.
Molecular consequence: missense variant.
Genome position (GRCh38, 1-based): chr11:72,294,685, G>T on the plus strand (C>A on the coding strand, the complement: CLPB is on the minus strand). VCF-style: chr11-72294685-G-T. GRCh37 (hg19) VCF-style: chr11-72005729-G-T.
Other names: c.1408C>A, p.Gln470Lys (NM_001258393.3); c.1450C>A, p.Gln484Lys (NM_001258394.3); c.1585C>A, p.Gln529Lys (NM_030813.6); short protein forms Q484K, Q499K, Q470K, Q529K.
Identifiers: ClinVar variation 2761176 (VCV002761176.3), dbSNP rs1476481385, ClinGen allele CA381727290.